The following is an entry in ClinVar:

NM_001164508.2(NEB):c.24703dup (p.Thr8235fs)

Genes: NEB (nebulin; minus strand), RIF1 (replication timing regulatory factor 1; plus strand). Cytogenetic location: 2q23.3.
Variant type: Duplication.
Coding change: c.24703dup on transcript NM_001164508.2 (MANE Select); coding-DNA position 24703, one base duplicated (A; older notation c.24703dupA).
Protein change: p.Thr8235fs; shifts the reading frame from threonine 8235.
Molecular consequence: frameshift variant.
Genome position (GRCh38, 1-based): chr2:151,493,415, T duplicated on the plus strand (A on the coding strand, the reverse complement: NEB is on the minus strand); the first of 2 consecutive T bases (chr2:151,493,415-151,493,416); duplicating either gives the same sequence. VCF-style (leftmost placement, unchanged base first): chr2-151493414-G-GT. GRCh37 (hg19) VCF-style: chr2-152349928-G-GT.
Other names: c.24703dup, p.Thr8235fs (NM_001164507.2); c.24808dup, p.Thr8270fs (NM_001271208.2); c.19135dup, p.Thr6379fs (NM_004543.5); short protein forms T6379fs, T8235fs, T8270fs.
Identifiers: ClinVar variation 1726153 (VCV001726153.2), dbSNP rs2551726479, ClinGen allele CA2580063874.
Genomic context (GRCh38, chr2:151,493,414, plus strand): 5'-GAGCTAATGTTTTCTTGGTTGCGCTTAGCTCTCTCCATCTCTGGAGTAACAGGTGTCGGA[G>GT]TTGCTTTTCTCATGTTCTCTTTGTACAATACCTAGGGAAGCCAAAAGAGCATCTAGGCAT-3'

ClinVar aggregate classification (germline): Likely pathogenic (1 of 4 stars; one submission).

Conditions:
Nemaline myopathy 2 (NEM2). Also called: Nemaline myopathy 2, autosomal recessive. Identifiers: MedGen C1850569, MONDO:0009725, OMIM 256030.

Submission:

Myriad Genetics, Inc.
Classification: Likely pathogenic for Nemaline myopathy 2. Last evaluated: 2022-05-18. Review status: criteria provided, single submitter. Criteria: Myriad Women's Health Autosomal Recessive and X-Linked Classification Criteria (2021). Collection method: clinical testing. Allele origin: unknown.
Comment: NM_001271208.1(NEB):c.24808dupA(T8270Nfs*13) is expected to be pathogenic in the context of NEB-related nemaline myopathy. This variant is predicted to lead to an abnormal or absent protein product due to the creation of a premature termination codon in NEB, a gene where loss-of-function variants are known to be pathogenic. Please note: this variant was assessed in the context of healthy population screening.